The following is an entry in ClinVar:

NM_001367479.1(DNAH14):c.1255A>T (p.Ile419Phe)

Gene: DNAH14 (dynein axonemal heavy chain 14; plus strand). Cytogenetic location: 1q42.12.
Variant type: single nucleotide variant.
Coding change: c.1255A>T on transcript NM_001367479.1 (MANE Select); coding-DNA position 1255, A replaced by T.
Protein change: p.Ile419Phe; replaces isoleucine 419 with phenylalanine.
Molecular consequence: missense variant.
Genome position (GRCh38, 1-based): chr1:225,023,762, A>T. VCF-style: chr1-225023762-A-T. GRCh37 (hg19) VCF-style: chr1-225211464-A-T.
Other names: NM_001373.1:c.1255A>T; c.1255A>T, p.Ile419Phe (NM_001145154.3); c.1186A>T, p.Ile396Phe (NM_001349911.2); short protein forms I396F, I419F.
Identifiers: ClinVar variation 3364196 (VCV003364196.1).
Genomic context (GRCh38, chr1:225,023,762, plus strand): 5'-CGTTTATTAGAAACATTTTTCAAGTTTGTAATGCTGGTTGACTACATATTTCAGGAACTC[A>T]TTCGTCAACTTATGAACACTGCAGTCACACTACTTTTGGAATTATTTAATGGTTCTGCTG-3'
Protein context (NP_001354408.1, residues 409-429): MLVDYIFQEL[Ile419Phe]RQLMNTAVTL

ClinVar aggregate classification (germline): Uncertain significance (1 of 4 stars; one submission).

Submission:

GeneDx
Classification: Uncertain significance. Last evaluated: 2023-11-16. Review status: criteria provided, single submitter. Criteria: GeneDx Variant Classification Process June 2021. Collection method: clinical testing. Allele origin: germline. Affected: yes.
Comment: Not observed at significant frequency in large population cohorts (gnomAD); In silico analysis supports that this missense variant has a deleterious effect on protein structure/function; In silico analysis is inconclusive as to whether the variant alters gene splicing. In the absence of RNA/functional studies, the actual effect of this sequence change is unknown.; Has not been previously published as pathogenic or benign to our knowledge